The following is an entry in ClinVar:

NM_001376.5(DYNC1H1):c.3103G>T (p.Glu1035Ter)

Gene: DYNC1H1 (dynein cytoplasmic 1 heavy chain 1; plus strand). Cytogenetic location: 14q32.31.
Variant type: single nucleotide variant.
Coding change: c.3103G>T on transcript NM_001376.5 (MANE Select); coding-DNA position 3103, G replaced by T.
Protein change: p.Glu1035Ter; replaces glutamic acid 1035 with a stop codon.
Molecular consequence: nonsense.
Genome position (GRCh38, 1-based): chr14:101,994,271, G>T. VCF-style: chr14-101994271-G-T. GRCh37 (hg19) VCF-style: chr14-102460608-G-T.
Other names: short protein forms E1035*.
Identifiers: ClinVar variation 1308197 (VCV001308197.2), dbSNP rs2141280462, ClinGen allele CA391032379.

ClinVar aggregate classification (germline): Uncertain significance (1 of 4 stars; one submission).

Submission:

GeneDx
Classification: Uncertain significance. Last evaluated: 2019-08-23. Review status: criteria provided, single submitter. Criteria: GeneDx Variant Classification Process June 2021. Collection method: clinical testing. Allele origin: germline. Affected: yes.
Comment: Not observed in large population cohorts (Lek et al., 2016); Nonsense variant predicted to result in protein truncation or nonsense mediated decay in a gene for which loss-of-function is not a known mechanism of disease; Has not been previously published as pathogenic or benign to our knowledge